The following is an entry in ClinVar:

ClinVar aggregate classification (germline): Likely pathogenic (1 of 4 stars; one submission).

Conditions:
Hereditary cancer-predisposing syndrome. Also called: Hereditary neoplastic syndrome; Neoplastic Syndromes, Hereditary; Tumor predisposition; Hereditary Cancer Syndrome. Identifiers: Orphanet 140162, MedGen C0027672, MeSH D009386, MONDO:0015356.

Submission:

Ambry Genetics
Classification: Likely pathogenic for Hereditary cancer-predisposing syndrome. Last evaluated: 2025-02-20. Review status: criteria provided, single submitter. Criteria: Ambry Variant Classification Scheme 2023. Collection method: clinical testing. Allele origin: germline.
Comment: The c.1300+1G>T intronic variant results from a G to T substitution one nucleotide after coding exon 8 of the FLCN gene. Alterations that disrupt the canonical splice site are expected to cause aberrant splicing, resulting in an abnormal protein or a transcript that is subject to nonsense-mediated mRNA decay. In silico splice site analysis predicts that this alteration will weaken the native splice donor site. RNA studies have demonstrated that this alteration results in abnormal splicing in the set of samples tested (Ambry internal data). Other variant(s) impacting the same donor site (c.1300+1G>A) have been identified in individual(s) with features consistent with Birt-Hogg-Dube syndrome (Iwabuchi et al. J Dermatol Sci 2018 Jan;89(1):77-84; Ambry internal data). This variant is considered to be rare based on population cohorts in the Genome Aggregation Database (gnomAD). As such, this alteration is classified as likely pathogenic.

NM_144997.7(FLCN):c.1300+1G>T

Gene: FLCN (folliculin; minus strand). Cytogenetic location: 17p11.2.
Variant type: single nucleotide variant.
Coding change: c.1300+1G>T on transcript NM_144997.7 (MANE Select); the canonical splice donor site of the intron after coding-DNA position 1300, G replaced by T.
Molecular consequence: splice donor variant.
Genome position (GRCh38, 1-based): chr17:17,216,379, C>A on the plus strand (G>T on the coding strand, the complement: FLCN is on the minus strand). VCF-style: chr17-17216379-C-A. GRCh37 (hg19) VCF-style: chr17-17119693-C-A.
Other names: c.1300+1G>T (NM_001353231.2, NM_001353230.2); c.1354+1G>T (NM_001353229.2).
Identifiers: ClinVar variation 3850577 (VCV003850577.1).
Genomic context (GRCh38, chr17:17,216,379, plus strand): 5'-GGCCTGAGGCGTGGGGAACCTCAGCGCAGGGCATGGCCCCACAGCCCGCGGGGGCACGCA[C>A]CTGAGGAGAGCACGTGGGGGGGGATCTGCACGTGCGGGCTGAGCCCCAGGAAGTTGCACC-3'